The following is an entry in ClinVar:

ClinVar aggregate classification (germline): Uncertain significance (1 of 4 stars; one submission).

Conditions:
Autoimmune lymphoproliferative syndrome type 2B. Also called: AUTOIMMUNE LYMPHOPROLIFERATIVE SYNDROME, TYPE IIB. Identifiers: Orphanet 275517, MedGen C1846545, MONDO:0011804, OMIM 607271.

gnomAD v4.1: 1 of 1,614,040 alleles (0.000062%); highest among the groups gnomAD compares: Non-Finnish European, 0.000085%; no homozygotes.

Submission:

Labcorp Genetics (formerly Invitae), Labcorp
Classification: Uncertain significance for Autoimmune lymphoproliferative syndrome type 2B. Last evaluated: 2025-12-22. Review status: criteria provided, single submitter. Criteria: Invitae Variant Classification Sherloc (09022015). Collection method: clinical testing. Allele origin: germline.
Comment: This sequence change replaces valine, which is neutral and non-polar, with aspartic acid, which is acidic and polar, at codon 242 of the CASP8 protein (p.Val242Asp). This variant is not present in population databases (gnomAD no frequency). This variant has not been reported in the literature in individuals affected with CASP8-related conditions. Invitae Evidence Modeling of protein sequence and biophysical properties (such as structural, functional, and spatial information, amino acid conservation, physicochemical variation, residue mobility, and thermodynamic stability) indicates that this missense variant is expected to disrupt CASP8 protein function with a positive predictive value of 80%. In summary, the available evidence is currently insufficient to determine the role of this variant in disease. Therefore, it has been classified as a Variant of Uncertain Significance.

NM_001372051.1(CASP8):c.674T>A (p.Val225Asp)

Gene: CASP8 (caspase 8; plus strand). Cytogenetic location: 2q33.1.
Variant type: single nucleotide variant.
Coding change: c.674T>A on transcript NM_001372051.1 (MANE Select); coding-DNA position 674, T replaced by A.
Protein change: p.Val225Asp; replaces valine 225 with aspartic acid.
Molecular consequence: missense variant. On other transcripts: non-coding transcript variant (21), intron variant (4).
Genome position (GRCh38, 1-based): chr2:201,276,840, T>A. VCF-style: chr2-201276840-T-A. GRCh37 (hg19) VCF-style: chr2-202141563-T-A.
Other names: c.629T>A, p.Val210Asp (NM_001080124.2, NM_001400658.1, NM_001400659.1 and 5 more transcripts); c.851T>A, p.Val284Asp (NM_001080125.2); c.725T>A, p.Val242Asp (NM_001228.5); c.806T>A, p.Val269Asp (NM_001400642.1); c.707T>A, p.Val236Asp (NM_001400645.1); c.674T>A, p.Val225Asp (NM_001400648.1, NM_001400651.1, NM_001400653.1 and 6 more transcripts); c.605T>A, p.Val202Asp (NM_001400664.1); c.365T>A, p.Val122Asp (NM_001400669.1); and 7 more; short protein forms V202D, V20D, V284D, S203R, V236D, V26D, V11D, V122D.
Identifiers: ClinVar variation 4762784 (VCV004762784.1).
Genomic context (GRCh38, chr2:201,276,840, plus strand): 5'-TGTTTGACCCACAGAGTCAGCTCCTGGGTTGGGTTTTTGTTTTCCAGACTTTGGACAAAG[T>A]TTACCAAATGAAAAGCAAACCTCGGGGATACTGTCTGATCATCAACAATCACAATTTTGC-3'
Protein context (NP_001358980.1, residues 215-235): QDSESQTLDK[Val225Asp]YQMKSKPRGY